The following is an entry in ClinVar:

NM_001374828.1(ARID1B):c.3714+11G>A

Gene: ARID1B (AT-rich interaction domain 1B; plus strand). Cytogenetic location: 6q25.3.
Variant type: single nucleotide variant.
Coding change: c.3714+11G>A on transcript NM_001374828.1 (MANE Select); 11 bases into the intron after coding-DNA position 3714, G replaced by A.
Molecular consequence: intron variant.
Genome position (GRCh38, 1-based): chr6:157,181,189, G>A. VCF-style: chr6-157181189-G-A. GRCh37 (hg19) VCF-style: chr6-157502323-G-A.
Other names: c.3594+11G>A (NM_001371656.1, NM_001374820.1); c.3555+11G>A (NM_017519.3); c.1215+11G>A (NM_001363725.2).
Identifiers: ClinVar variation 445817 (VCV000445817.46), dbSNP rs368322992, ClinGen allele CA4067381.

ClinVar aggregate classification (germline): Benign/Likely benign. Review status: criteria provided, multiple submitters, no conflicts (2 of 4 stars). 7 submissions from 7 submitters: Benign (3); Likely benign (4). Last evaluated 2026-06-01.

Conditions:
Coffin-Siris syndrome 1 (CSS1). Also called: Mental retardation, autosomal dominant 12; ARID1B-Related Coffin-Siris Syndrome. Identifiers: Orphanet 1465, MedGen C3281201, MONDO:0007617, OMIM 135900. Disease mechanism: gain of function.

Allele frequency attached by ClinVar (database versions not stated): 1000 Genomes Project 0.00020; 1000 Genomes Project 30x 0.00031; gnomAD exomes 0.00138 and 0.00249; ExAC 0.00144; gnomAD 0.00156 and 0.00159; ESP Exome Variant Server 0.00169; TOPMed 0.00173.
gnomAD v4.1: 3,893 of 1,612,896 alleles (0.24%); highest among the groups gnomAD compares: Non-Finnish European, 0.3%; 7 homozygotes.

Submissions (7):

CeGaT Center for Human Genetics Tuebingen
Classification: Likely benign. Last evaluated: 2026-06-01. Review status: criteria provided, single submitter. Criteria: CeGaT Center For Human Genetics Tuebingen Variant Classification Criteria Version 2. Collection method: clinical testing. Allele origin: germline. Affected: yes. Observed: 8 variant alleles.
Comment: ARID1B: BS1

Labcorp Genetics (formerly Invitae), Labcorp
Classification: Benign. Last evaluated: 2026-01-12. Review status: criteria provided, single submitter. Criteria: Invitae Variant Classification Sherloc (09022015). Collection method: clinical testing. Allele origin: germline.

Blueprint Genetics
Classification: Likely benign. Last evaluated: 2024-11-07. Review status: criteria provided, single submitter. Criteria: ACMG Guidelines, 2015. Collection method: clinical testing. Allele origin: germline.

Genome-Nilou Lab
Classification: Benign for Coffin-Siris syndrome 1. Last evaluated: 2021-07-15. Review status: criteria provided, single submitter. Criteria: ACMG Guidelines, 2015. Collection method: clinical testing. Allele origin: germline. Affected: no.

GeneDx
Classification: Benign. Last evaluated: 2020-03-26. Review status: criteria provided, single submitter. Criteria: GeneDx Variant Classification Process June 2021. Collection method: clinical testing. Allele origin: germline. Affected: yes.

Center for Pediatric Genomic Medicine, Children's Mercy Hospital and Clinics
Classification: Likely benign. Last evaluated: 2017-09-18. Review status: criteria provided, single submitter. Criteria: ACMG Guidelines, 2015. Collection method: clinical testing. Allele origin: germline.

Breakthrough Genomics
Classification: Likely benign. Review status: criteria provided, single submitter. Criteria: ACMG Guidelines, 2015. Collection method: not provided. Allele origin: germline. Inheritance: Autosomal dominant inheritance. Affected: yes.